The following is an entry in ClinVar:

NM_001099403.2(PRDM8):c.1466G>T (p.Gly489Val)

Genes: PRDM8 (PR/SET domain 8; plus strand), LOC129992745 (ATAC-STARR-seq lymphoblastoid silent region 15522; plus strand). Cytogenetic location: 4q21.21.
Variant type: single nucleotide variant.
Coding change: c.1466G>T on transcript NM_001099403.2 (MANE Select); coding-DNA position 1466, G replaced by T.
Protein change: p.Gly489Val; replaces glycine 489 with valine.
Molecular consequence: missense variant.
Genome position (GRCh38, 1-based): chr4:80,202,928, G>T. VCF-style: chr4-80202928-G-T. GRCh37 (hg19) VCF-style: chr4-81124082-G-T.
Other names: c.1466G>T, p.Gly489Val (NM_020226.4); short protein forms G489V.
Identifiers: ClinVar variation 1400069 (VCV001400069.4), dbSNP rs1379672825, ClinGen allele CA357400888.

ClinVar aggregate classification (germline): Uncertain significance (1 of 4 stars; one submission).

Conditions:
Early-onset Lafora body disease. Also called: Epilepsy, progressive myoclonic, 10. Identifiers: Orphanet 324290, MedGen C4225258, MONDO:0014717, OMIM 616640.

gnomAD v4.1: 2 of 1,438,670 alleles (0.00014%); highest among the groups gnomAD compares: Non-Finnish European, 0.00018%; no homozygotes.

Submission:

Labcorp Genetics (formerly Invitae), Labcorp
Classification: Uncertain significance for Early-onset Lafora body disease. Last evaluated: 2023-10-03. Review status: criteria provided, single submitter. Criteria: Invitae Variant Classification Sherloc (09022015). Collection method: clinical testing. Allele origin: germline.
Comment: This sequence change replaces glycine, which is neutral and non-polar, with valine, which is neutral and non-polar, at codon 489 of the PRDM8 protein (p.Gly489Val). This variant is not present in population databases (gnomAD no frequency). This variant has not been reported in the literature in individuals affected with PRDM8-related conditions. ClinVar contains an entry for this variant (Variation ID: 1400069). An algorithm developed to predict the effect of missense changes on protein structure and function (PolyPhen-2) suggests that this variant¬†is likely to be tolerated. In summary, the available evidence is currently insufficient to determine the role of this variant in disease. Therefore, it has been classified as a Variant of Uncertain Significance.